The following is an entry in ClinVar:

NC_000010.11:g.(?_66621682)_(66775534_?)del

Gene: CTNNA3 (catenin alpha 3; minus strand). Cytogenetic location: 10q21.3.
Variant type: Deletion.
Identifiers: ClinVar variation 833450 (VCV000833450.1).

ClinVar aggregate classification (germline): Uncertain significance (1 of 4 stars; one submission).

Conditions:
Arrhythmogenic right ventricular dysplasia 13. Also called: Arrhythmogenic right ventricular dysplasia, familial, 13; ARRHYTHMOGENIC RIGHT VENTRICULAR CARDIOMYOPATHY 13. Identifiers: MedGen C3810138, MONDO:0000908, OMIM 615616.

Submission:

Labcorp Genetics (formerly Invitae), Labcorp
Classification: Uncertain significance for Arrhythmogenic right ventricular dysplasia, familial, 13. Last evaluated: 2019-06-06. Review status: criteria provided, single submitter. Criteria: Invitae Variant Classification Sherloc (09022015). Collection method: clinical testing. Allele origin: germline.
Comment: This variant is a gross deletion of the genomic region encompassing exons 8-10 of the CTNNA3 gene. This is predicted to lead to an in-frame deletion, preserving the integrity of the reading frame. In-frame deletions encompassing exons 8-9 and of exon 10 have been reported in the literature in individuals affected with autism, but also in unaffected family members and healthy control individuals (PMID: 25050139). In summary, this is a novel in-frame deletion with uncertain impact on protein function. There is no indication that this variant causes disease, but the evidence is insufficient at this time to prove that conclusively. Therefore, it has been classified as a Variant of Uncertain Significance.

Literature cited by the submitters: PubMed 25050139.